The following is an entry in ClinVar:

NM_000037.4(ANK1):c.3642G>A (p.Ser1214=)

Gene: ANK1 (ankyrin 1; minus strand). Cytogenetic location: 8p11.21.
Variant type: single nucleotide variant.
Coding change: c.3642G>A on transcript NM_000037.4 (MANE Select); coding-DNA position 3642, G replaced by A.
Protein change: p.Ser1214=; no amino-acid change (serine 1214 retained).
Molecular consequence: synonymous variant.
Genome position (GRCh38, 1-based): chr8:41,692,864, C>T on the plus strand (G>A on the coding strand, the complement: ANK1 is on the minus strand). VCF-style: chr8-41692864-C-T. GRCh37 (hg19) VCF-style: chr8-41550382-C-T.
Other names: c.3642G>A, p.Ser1214= (NM_020477.3, NM_020475.3, NM_020476.3); c.3765G>A, p.Ser1255= (NM_001142446.2); c.3642G>A (NM_020476.2).
Identifiers: ClinVar variation 3664961 (VCV003664961.3).

ClinVar aggregate classification (germline): Likely benign. Review status: criteria provided, multiple submitters, no conflicts (2 of 4 stars). 2 submissions from 2 submitters: Likely benign (2). Last evaluated 2026-01-18.

Conditions:
ANK1-related disorder. Also called: ANK1-related condition.

gnomAD v4.1: 22 of 1,613,888 alleles (0.0014%); highest among the groups gnomAD compares: Admixed American, 0.025%; no homozygotes.

Submissions (2):

Labcorp Genetics (formerly Invitae), Labcorp
Classification: Likely benign. Last evaluated: 2026-01-18. Review status: criteria provided, single submitter. Criteria: Invitae Variant Classification Sherloc (09022015). Collection method: clinical testing. Allele origin: germline.

PreventionGenetics, part of Exact Sciences
Classification: Likely benign for ANK1-related condition. Last evaluated: 2025-11-10. Review status: criteria provided, single submitter. Criteria: ACMG Guidelines, 2015. Collection method: clinical testing. Allele origin: germline.
Comment: This variant is classified as likely benign based on ACMG/AMP sequence variant interpretation guidelines (Richards et al. 2015 PMID: 25741868, with internal and published modifications).